The following is an entry in ClinVar:

ClinVar aggregate classification (germline): Uncertain significance (1 of 4 stars; one submission).

Submission:

Women's Health and Genetics/Laboratory Corporation of America, LabCorp
Classification: Uncertain significance. Last evaluated: 2026-05-11. Review status: criteria provided, single submitter. Criteria: LabCorp Variant Classification Summary - May 2015. Collection method: clinical testing. Allele origin: germline.
Comment: Variant summary: AEBP1 c.3166G>A (p.Ala1056Thr) results in a non-conservative amino acid change in the encoded protein sequence. Algorithms developed to predict the effect of missense changes on protein structure and function are either unavailable or do not agree on the potential impact of this missense change. The frequency data for this variant in gnomAD is considered unreliable, as metrics indicate poor data quality at this position. To our knowledge, no occurrence of c.3166G>A in individuals affected with AEBP1-related conditions and no experimental evidence demonstrating its impact on protein function have been reported. No submitters have cited clinical-significance assessments for this variant to ClinVar. Based on the evidence outlined above, the variant was classified as uncertain significance.

NM_001129.5(AEBP1):c.3166G>A (p.Ala1056Thr)

Gene: AEBP1 (AE binding protein 1; plus strand). Cytogenetic location: 7p13.
Variant type: single nucleotide variant.
Coding change: c.3166G>A on transcript NM_001129.5 (MANE Select); coding-DNA position 3166, G replaced by A.
Protein change: p.Ala1056Thr; replaces alanine 1056 with threonine.
Molecular consequence: missense variant.
Genome position (GRCh38, 1-based): chr7:44,113,950, G>A. VCF-style: chr7-44113950-G-A. GRCh37 (hg19) VCF-style: chr7-44153549-G-A.
Other names: short protein forms A1056T.
Identifiers: ClinVar variation 4853287 (VCV004853287.1).